The following is an entry in ClinVar:

NM_001142800.2(EYS):c.2944G>T (p.Val982Phe)

Gene: EYS (eyes shut homolog; minus strand). Cytogenetic location: 6q12.
Variant type: single nucleotide variant.
Coding change: c.2944G>T on transcript NM_001142800.2 (MANE Select); coding-DNA position 2944, G replaced by T.
Protein change: p.Val982Phe; replaces valine 982 with phenylalanine.
Molecular consequence: missense variant.
Genome position (GRCh38, 1-based): chr6:64,886,745, C>A on the plus strand (G>T on the coding strand, the complement: EYS is on the minus strand). VCF-style: chr6-64886745-C-A. GRCh37 (hg19) VCF-style: chr6-65596638-C-A.
Other names: c.2944G>T, p.Val982Phe (NM_001292009.2); short protein forms V982F.
Identifiers: ClinVar variation 1038024 (VCV001038024.3), dbSNP rs1347071957, ClinGen allele CA364788699.

ClinVar aggregate classification (germline): Uncertain significance. Review status: criteria provided, single submitter (1 of 4 stars). 2 submissions from 2 submitters: Uncertain significance (1). 1 of the submissions does not count toward it. Last evaluated 2021-09-01.

Conditions:
Retinitis pigmentosa 25 (RP25). Identifiers: Orphanet 791, MedGen C1864446, MONDO:0011272, OMIM 602772.

Allele frequency attached by ClinVar (database versions not stated): TOPMed below 0.00001; gnomAD 0.00001; gnomAD exomes 0.00001.
gnomAD v4.1: 20 of 1,547,140 alleles (0.0013%); highest among the groups gnomAD compares: Non-Finnish European, 0.0017%; no homozygotes.

Submissions (2):

Labcorp Genetics (formerly Invitae), Labcorp
Classification: Uncertain significance. Last evaluated: 2021-09-01. Review status: criteria provided, single submitter. Criteria: Invitae Variant Classification Sherloc (09022015). Collection method: clinical testing. Allele origin: germline.
Comment: This sequence change replaces valine with phenylalanine at codon 982 of the EYS protein (p.Val982Phe). The valine residue is moderately conserved and there is a small physicochemical difference between valine and phenylalanine. This variant is not present in population databases (ExAC no frequency). This variant has not been reported in the literature in individuals affected with EYS-related conditions. Algorithms developed to predict the effect of missense changes on protein structure and function are either unavailable or do not agree on the potential impact of this missense change (SIFT: "Tolerated"; PolyPhen-2: "Probably Damaging"; Align-GVGD: "Class C0"). In summary, the available evidence is currently insufficient to determine the role of this variant in disease. Therefore, it has been classified as a Variant of Uncertain Significance.

Natera, Inc.
Classification: Uncertain significance for Retinitis pigmentosa type 25. Last evaluated: 2020-06-22. Review status: no assertion criteria provided. Collection method: clinical testing. Allele origin: germline. Not counted in ClinVar's aggregate classification.